The following is an entry in ClinVar:

NM_006946.4(SPTBN2):c.805A>G (p.Ile269Val)

Gene: SPTBN2 (spectrin beta, non-erythrocytic 2; minus strand). Cytogenetic location: 11q13.2.
Variant type: single nucleotide variant.
Coding change: c.805A>G on transcript NM_006946.4 (MANE Select); coding-DNA position 805, A replaced by G.
Protein change: p.Ile269Val; replaces isoleucine 269 with valine.
Molecular consequence: missense variant.
Genome position (GRCh38, 1-based): chr11:66,710,997, T>C on the plus strand (A>G on the coding strand, the complement: SPTBN2 is on the minus strand). VCF-style: chr11-66710997-T-C. GRCh37 (hg19) VCF-style: chr11-66478468-T-C.
Other names: p.Ile269Val; c.826A>G, p.Ile276Val (NM_001411025.1); c.805A>G, p.Ile269Val (NM_001437541.1); short protein forms I269V, I276V.
Identifiers: ClinVar variation 4541639 (VCV004541639.1).
Genomic context (GRCh38, chr11:66,710,997, plus strand): 5'-CCACGGCCAGGGCCTTCATCTTGGAGAAGTAATGGTAGTAAGTAGCCACATAGGTAATGA[T>C]TGACTTCTCATCTGGCTGGTCCACATTCACGTCTGCAAGAGAGGACCATTTGGGTCAGGC-3'
Protein context (NP_008877.2, residues 259-279): VNVDQPDEKS[Ile269Val]ITYVATYYHY

ClinVar aggregate classification (germline): Uncertain significance (1 of 4 stars; one submission).

gnomAD v4.1: 100 of 1,614,090 alleles (0.0062%); highest among the groups gnomAD compares: South Asian, 0.012%; 1 homozygote.

Submission:

Mayo Clinic Laboratories, Mayo Clinic
Classification: Uncertain significance. Last evaluated: 2025-10-11. Review status: criteria provided, single submitter. Criteria: ACMG Guidelines, 2015. Collection method: clinical testing. Allele origin: germline. Observed: 1 variant allele.
Comment: BP4_moderate

Literature cited by the submitters: PubMed 29482223.